The following is an entry in ClinVar:

NM_000548.5(TSC2):c.1933G>C (p.Val645Leu)

Gene: TSC2 (TSC complex subunit 2; plus strand). Cytogenetic location: 16p13.3.
Variant type: single nucleotide variant.
Coding change: c.1933G>C on transcript NM_000548.5 (MANE Select); coding-DNA position 1933, G replaced by C.
Protein change: p.Val645Leu; replaces valine 645 with leucine.
Molecular consequence: missense variant.
Genome position (GRCh38, 1-based): chr16:2,071,603, G>C. VCF-style: chr16-2071603-G-C. GRCh37 (hg19) VCF-style: chr16-2121604-G-C.
Other names: c.1933G>C, p.Val645Leu (NM_001077183.3, NM_001114382.3, NM_001363528.2 and 3 more transcripts); c.1822G>C, p.Val608Leu (NM_001318827.2); c.1786G>C, p.Val596Leu (NM_001318829.2); c.1333G>C, p.Val445Leu (NM_001318831.2); c.1966G>C, p.Val656Leu (NM_001318832.2); short protein forms V645L, V656L, V445L, V608L, V596L.
Identifiers: ClinVar variation 655290 (VCV000655290.12), dbSNP rs746677177, ClinGen allele CA034578.
Genomic context (GRCh38, chr16:2,071,603, plus strand): 5'-TCACTGCACCGCCTGGGCCTGCCCAACAAGGATGGAGTCGTGCGGTTCAGCCCCTACTGC[G>C]TCTGCGACTACATGTACGCGGGACCTCGCCCACGGCCCATGAGGCTCAGGGCGTCAGAGG-3'
Protein context (NP_000539.2, residues 635-655): DGVVRFSPYC[Val645Leu]CDYMEPERGS

ClinVar aggregate classification (germline): Conflicting classifications of pathogenicity. Review status: criteria provided, conflicting classifications (1 of 4 stars). 4 submissions from 4 submitters: Uncertain significance (2); Benign (1); Likely benign (1). Last evaluated 2025-06-25.

Conditions:
Tuberous sclerosis syndrome (TSC). Also called: Tuberous sclerosis; Tuberous Sclerosis Complex. Identifiers: Orphanet 805, MedGen C0041341, MONDO:0001734.
Tuberous sclerosis 2 (TSC2). Identifiers: Orphanet 805, MedGen C1860707, MONDO:0013199, OMIM 613254.
Hereditary cancer-predisposing syndrome. Also called: Neoplastic Syndromes, Hereditary; Hereditary neoplastic syndrome; Hereditary Cancer Syndrome; Tumor predisposition. Identifiers: Orphanet 140162, MedGen C0027672, MeSH D009386, MONDO:0015356.

Allele frequency attached by ClinVar (database versions not stated): TOPMed 0.00003.

Submissions (4):

Labcorp Genetics (formerly Invitae), Labcorp
Classification: Benign for Tuberous sclerosis 2. Last evaluated: 2025-06-25. Review status: criteria provided, single submitter. Criteria: Invitae Variant Classification Sherloc (09022015). Collection method: clinical testing. Allele origin: germline.

All of Us Research Program, National Institutes of Health
Classification: Uncertain significance for Tuberous sclerosis syndrome. Last evaluated: 2024-05-30. Review status: criteria provided, single submitter. Criteria: ACMG Guidelines, 2015. Collection method: clinical testing. Allele origin: germline. Inheritance: Autosomal dominant inheritance. Observed: 1 variant allele, 1 heterozygote.
Comment: This missense variant replaces valine with leucine at codon 645 of the TSC2 protein. Computational prediction suggests that this variant may not impact protein structure and function (internally defined REVEL score threshold <= 0.5, PMID: 27666373). To our knowledge, functional studies have not been reported for this variant. This variant has not been reported in individuals affected with tuberous sclerosis complex in the literature. This variant has been identified in 3/250264 chromosomes in the general population by the Genome Aggregation Database (gnomAD). The available evidence is insufficient to determine the role of this variant in disease conclusively. Therefore, this variant is classified as a Variant of Uncertain Significance.

This study involves interpretation of variants in research participants for the purpose of population health screening. Participant phenotype was not available at the time of variant classification. Additional details can be found in publication PMID: 35346344, PMCID: PMC8962531

GeneDx
Classification: Uncertain significance. Last evaluated: 2022-06-06. Review status: criteria provided, single submitter. Criteria: GeneDx Variant Classification Process June 2021. Collection method: clinical testing. Allele origin: germline. Affected: yes.
Comment: In silico analysis supports that this missense variant does not alter protein structure/function; Has not been previously published as pathogenic or benign to our knowledge

Ambry Genetics
Classification: Likely benign for Hereditary cancer-predisposing syndrome. Last evaluated: 2021-12-13. Review status: criteria provided, single submitter. Criteria: Ambry Variant Classification Scheme 2023. Collection method: clinical testing. Allele origin: germline.